The following is an entry in ClinVar:

ClinVar aggregate classification (germline): Uncertain significance. Review status: criteria provided, multiple submitters, no conflicts (2 of 4 stars). 3 submissions from 2 submitters: Uncertain significance (3). Last evaluated 2024-02-12.

Conditions:
Hereditary spherocytosis type 1. Also called: Spherocytosis type 1; ANK1-Related Spherocytosis. Identifiers: Orphanet 822, MedGen C2674218, MONDO:0008447, OMIM 182900.
Spherocytosis. Identifiers: MedGen C0553720, HP:0004444.

Allele frequency attached by ClinVar (database versions not stated): gnomAD 0.00007; gnomAD exomes 0.00009.
gnomAD v4.1: 29 of 352,166 alleles (0.0082%); highest among the groups gnomAD compares: Non-Finnish European, 0.013%; no homozygotes.

Submissions (3):

Department of Pediatrics, Duzce University
Classification: Uncertain significance for Hereditary spherocytosis type 1. Last evaluated: 2024-02-12. Review status: criteria provided, single submitter. Criteria: ACMG Guidelines, 2015. Collection method: research. Allele origin: germline. Inheritance: Autosomal dominant inheritance. Affected: yes.
Comment: Variant in the 3' untranslated region of ANK1 with no established effect on gene function or expression; rare in population databases (PM2_supporting). Applied ACMG/AMP criteria: PM2_supporting. Classification: Uncertain significance.

Illumina Laboratory Services, Illumina
Classification: Uncertain significance for Hereditary spherocytosis type 1. Last evaluated: 2018-01-13. Review status: criteria provided, single submitter. Criteria: ICSL Variant Classification Criteria 13 December 2019. Collection method: clinical testing. Allele origin: germline.

Illumina Laboratory Services, Illumina
Classification: Uncertain significance for Spherocytosis. Last evaluated: 2018-01-13. Review status: criteria provided, single submitter. Criteria: ICSL Variant Classification Criteria 13 December 2019. Collection method: clinical testing. Allele origin: germline.

NM_000037.4(ANK1):c.*372T>C

Gene: ANK1 (ankyrin 1; minus strand). Cytogenetic location: 8p11.21.
Variant type: single nucleotide variant.
Coding change: c.*372T>C on transcript NM_000037.4 (MANE Select); 372 bases downstream of the stop codon, T replaced by C.
Molecular consequence: 3 prime UTR variant.
Genome position (GRCh38, 1-based): chr8:41,655,418, A>G on the plus strand (T>C on the coding strand, the complement: ANK1 is on the minus strand). VCF-style: chr8-41655418-A-G. GRCh37 (hg19) VCF-style: chr8-41512937-A-G.
Other names: c.*309T>C (NM_001142445.2, NM_001142446.2, NM_020475.3 and 3 more transcripts); c.*372T>C (NM_020478.5).
Identifiers: ClinVar variation 908827 (VCV000908827.5), dbSNP rs1042068456, ClinGen allele CA12878778.